The following is an entry in ClinVar:

ClinVar aggregate classification (germline): Uncertain significance (1 of 4 stars; one submission).

Conditions:
Mendelian susceptibility to mycobacterial diseases due to complete IL12B deficiency. Also called: IL12B DEFICIENCY; Immunodeficiency 29. Identifiers: Orphanet 319558, MedGen C4013948, MONDO:0013954, OMIM 614890.

Submission:

Labcorp Genetics (formerly Invitae), Labcorp
Classification: Uncertain significance for Mendelian susceptibility to mycobacterial diseases due to complete IL12B deficiency. Last evaluated: 2022-02-18. Review status: criteria provided, single submitter. Criteria: Invitae Variant Classification Sherloc (09022015). Collection method: clinical testing. Allele origin: germline.
Comment: In summary, the available evidence is currently insufficient to determine the role of this variant in disease. Therefore, it has been classified as a Variant of Uncertain Significance. Variants that disrupt the consensus splice site are a relatively common cause of aberrant splicing (PMID: 17576681, 9536098). Algorithms developed to predict the effect of sequence changes on RNA splicing suggest that this variant may create or strengthen a splice site. This variant has not been reported in the literature in individuals affected with IL12B-related conditions. This variant is not present in population databases (gnomAD no frequency). This sequence change affects codon 285 of the IL12B mRNA. It is a 'silent' change, meaning that it does not change the encoded amino acid sequence of the IL12B protein. This variant also falls at the last nucleotide of exon 6, which is part of the consensus splice site for this exon.

Literature cited by the submitters: PubMed 17576681; PubMed 9536098.

NM_002187.3(IL12B):c.855G>A (p.Lys285=)

Gene: IL12B (interleukin 12B; minus strand). Cytogenetic location: 5q33.3.
Variant type: single nucleotide variant.
Coding change: c.855G>A on transcript NM_002187.3 (MANE Select); coding-DNA position 855, G replaced by A.
Protein change: p.Lys285=; no amino-acid change (lysine 285 retained).
Molecular consequence: synonymous variant.
Genome position (GRCh38, 1-based): chr5:159,318,736, C>T on the plus strand (G>A on the coding strand, the complement: IL12B is on the minus strand). VCF-style: chr5-159318736-C-T. GRCh37 (hg19) VCF-style: chr5-158745744-C-T.
Identifiers: ClinVar variation 1965485 (VCV001965485.5), dbSNP rs1754031353, ClinGen allele CA447509673.